The following is an entry in ClinVar:

ClinVar aggregate classification (germline): Benign/Likely benign. Review status: criteria provided, multiple submitters, no conflicts (2 of 4 stars). 11 submissions from 11 submitters: Benign (7); Likely benign (1). 3 of the submissions do not count toward it. Last evaluated 2026-02-03.

Conditions:
SCN2A-related disorder. Also called: SCN2A-related condition; SCN2A-related disorders. Identifiers: MedGen CN382226, MONDO:1060245.
Developmental and epileptic encephalopathy, 11 (DEE11). Also called: Early infantile epileptic encephalopathy 11. Identifiers: Orphanet 1934, MedGen C3150987, MONDO:0013388, OMIM 613721.
Episodic ataxia, type 9. Identifiers: MedGen C5394520, MONDO:0030064, OMIM 618924.
Seizures, benign familial infantile, 3 (BFIS3). Also called: CONVULSIONS, BENIGN FAMILIAL INFANTILE, 3; Familial neonatal seizures. Identifiers: Orphanet 140927, Orphanet 306, MedGen C1843140, MONDO:0011904, OMIM 607745.
Inborn genetic diseases. Identifiers: MedGen C0950123, MeSH D030342.

Allele frequency attached by ClinVar (database versions not stated): gnomAD exomes 0.00135 and 0.00049; ExAC 0.00177; gnomAD 0.00516 and 0.00559; TOPMed 0.00601; ESP Exome Variant Server 0.00563; 1000 Genomes Project 0.00759; 1000 Genomes Project 30x 0.00828.
gnomAD v4.1: 1,519 of 1,614,030 alleles (0.094%); highest among the groups gnomAD compares: African/African-American, 1.8%; 15 homozygotes.

Submissions (11):

Labcorp Genetics (formerly Invitae), Labcorp
Classification: Benign for Seizures, benign familial infantile, 3; Developmental and epileptic encephalopathy, 11. Last evaluated: 2026-02-03. Review status: criteria provided, single submitter. Criteria: Invitae Variant Classification Sherloc (09022015). Collection method: clinical testing. Allele origin: germline.

Mayo Clinic Laboratories, Mayo Clinic
Classification: Benign. Last evaluated: 2025-01-13. Review status: criteria provided, single submitter. Criteria: ACMG Guidelines, 2015. Collection method: clinical testing. Allele origin: germline. Observed: 7 variant alleles.
Comment: BS1, BS2, BP4, BP7

Athena Diagnostics
Classification: Benign. Last evaluated: 2024-07-30. Review status: criteria provided, single submitter. Criteria: Athena Diagnostics Criteria. Collection method: clinical testing. Allele origin: unknown.

Fulgent Genetics
Classification: Likely benign for Seizures, benign familial infantile, 3; Developmental and epileptic encephalopathy, 11; Episodic ataxia, type 9. Last evaluated: 2022-01-14. Review status: criteria provided, single submitter. Criteria: ACMG Guidelines, 2015. Collection method: clinical testing. Allele origin: unknown.

Illumina Laboratory Services, Illumina
Classification: Benign for Seizures, benign familial infantile, 3. Last evaluated: 2018-01-13. Review status: criteria provided, single submitter. Criteria: ICSL Variant Classification Criteria 13 December 2019. Collection method: clinical testing. Allele origin: germline.
Comment: This variant was observed in the ICSL laboratory as part of a predisposition screen in an ostensibly healthy population. It had not been previously curated by ICSL or reported in the Human Gene Mutation Database (HGMD: prior to June 1st, 2018), and was therefore a candidate for classification through an automated scoring system. Utilizing variant allele frequency, disease prevalence and penetrance estimates, and inheritance mode, an automated score was calculated to assess if this variant is too frequent to cause the disease. Based on the score and internal cut-off values, a variant classified as benign is not then subjected to further curation. The score for this variant resulted in a classification of benign for this disease.

Eurofins Ntd Llc (ga)
Classification: Benign. Last evaluated: 2016-09-06. Review status: criteria provided, single submitter. Criteria: EGL Classification Definitions 2015. Collection method: clinical testing. Allele origin: germline. Observed: 1 variant allele, 1 heterozygote.

Ambry Genetics
Classification: Benign for Inborn genetic diseases. Last evaluated: 2016-06-09. Review status: criteria provided, single submitter. Criteria: Ambry Variant Classification Scheme 2023. Collection method: clinical testing. Allele origin: germline.

GeneDx
Classification: Benign. Last evaluated: 2014-03-14. Review status: criteria provided, single submitter. Criteria: GeneDx Variant Classification (06012015). Collection method: clinical testing. Allele origin: germline. Affected: yes.
Comment: This variant is considered likely benign or benign based on one or more of the following criteria: it is a conservative change, it occurs at a poorly conserved position in the protein, it is predicted to be benign by multiple in silico algorithms, and/or has population frequency not consistent with disease.

PreventionGenetics, part of Exact Sciences
Classification: Benign for SCN2A-related condition. Last evaluated: 2019-05-29. Review status: no assertion criteria provided. Collection method: clinical testing. Allele origin: germline. Not counted in ClinVar's aggregate classification.
Comment: This variant is classified as benign based on ACMG/AMP sequence variant interpretation guidelines (Richards et al. 2015 PMID: 25741868, with internal and published modifications).

Diagnostic Laboratory, Department of Genetics, University Medical Center Groningen
Classification: Benign. Review status: no assertion criteria provided. Collection method: clinical testing. Allele origin: germline. Affected: yes. Study: VKGL Data-share Consensus. Not counted in ClinVar's aggregate classification.

Genome Diagnostics Laboratory, University Medical Center Utrecht
Classification: Likely benign. Review status: no assertion criteria provided. Collection method: clinical testing. Allele origin: germline. Affected: yes. Study: VKGL Data-share Consensus. Not counted in ClinVar's aggregate classification.

NM_001040142.2(SCN2A):c.5326C>T (p.Leu1776=)

Gene: SCN2A (sodium voltage-gated channel alpha subunit 2; plus strand). Cytogenetic location: 2q24.3.
Variant type: single nucleotide variant.
Coding change: c.5326C>T on transcript NM_001040142.2 (MANE Select); coding-DNA position 5326, C replaced by T.
Protein change: p.Leu1776=; no amino-acid change (leucine 1776 retained).
Molecular consequence: synonymous variant.
Genome position (GRCh38, 1-based): chr2:165,389,132, C>T. VCF-style: chr2-165389132-C-T. GRCh37 (hg19) VCF-style: chr2-166245642-C-T.
Other names: p.L1776L:CTG>TTG; p.Leu1776=; c.5326C>T, p.Leu1776= (NM_001040143.2, NM_001371246.1, NM_001371247.1 and 1 more transcripts).
Identifiers: ClinVar variation 139019 (VCV000139019.33), dbSNP rs138123155, ClinGen allele CA293260.